The following is an entry in ClinVar:

NM_004456.5(EZH2):c.458A>T (p.Tyr153Phe)

Gene: EZH2 (enhancer of zeste 2 polycomb repressive complex 2 subunit; minus strand). Cytogenetic location: 7q36.1.
Variant type: single nucleotide variant.
Coding change: c.458A>T on transcript NM_004456.5 (MANE Select); coding-DNA position 458, A replaced by T.
Protein change: p.Tyr153Phe; replaces tyrosine 153 with phenylalanine.
Molecular consequence: missense variant.
Genome position (GRCh38, 1-based): chr7:148,829,754, T>A on the plus strand (A>T on the coding strand, the complement: EZH2 is on the minus strand). VCF-style: chr7-148829754-T-A. GRCh37 (hg19) VCF-style: chr7-148526846-T-A.
Other names: c.458A>T, p.Tyr153Phe (NM_001203247.2); c.431A>T, p.Tyr144Phe (NM_001203248.2, NM_001203249.2); c.341A>T, p.Tyr114Phe (NM_152998.3); short protein forms Y114F, Y144F, Y153F.
Identifiers: ClinVar variation 3769642 (VCV003769642.1).
Genomic context (GRCh38, chr7:148,829,754, plus strand): 5'-CCCCTTTTTCCAAGAGAAGAAGCATATGGCTCACCTCTATCCCCGTGTACTTTCCCATCA[T>A]AATTTTTTATTAGTTCTTCAATGAAAGTACCATCCTGATCTAAAACTTCATCTCCCATAT-3'
Protein context (NP_004447.2, residues 143-163): GTFIEELIKN[Tyr153Phe]DGKVHGDREC

ClinVar aggregate classification (germline): Uncertain significance (1 of 4 stars; one submission).

Conditions:
Fetal anomaly. Also called: Congenital abnormality; Congenital malformation; congenital anomaly; congenital malformations. Identifiers: MedGen C0000768, HP:0034057.

Submission:

Clinical Genetics Laboratory, Skane University Hospital Lund
Classification: Uncertain significance for Fetal anomaly. Last evaluated: 2024-11-07. Review status: criteria provided, single submitter. Criteria: ACMG Guidelines, 2015. Collection method: clinical testing. Allele origin: germline. Affected: yes.
Comment: ACMG criteria used: PM2, PP2